The following is an entry in ClinVar:

ClinVar aggregate classification (germline): Uncertain significance (1 of 4 stars; one submission).

Allele frequency attached by ClinVar (database versions not stated): gnomAD 0.00001; gnomAD exomes 0.00001; TOPMed 0.00001.
gnomAD v4.1: 19 of 1,614,060 alleles (0.0012%); highest among the groups gnomAD compares: Non-Finnish European, 0.0015%; no homozygotes.

Submission:

Labcorp Genetics (formerly Invitae), Labcorp
Classification: Uncertain significance. Last evaluated: 2022-04-21. Review status: criteria provided, single submitter. Criteria: Invitae Variant Classification Sherloc (09022015). Collection method: clinical testing. Allele origin: germline.
Comment: This sequence change replaces glutamine, which is neutral and polar, with histidine, which is basic and polar, at codon 1646 of the NBAS protein (p.Gln1646His). This variant is not present in population databases (gnomAD no frequency). This variant has not been reported in the literature in individuals affected with NBAS-related conditions. Algorithms developed to predict the effect of missense changes on protein structure and function output the following: SIFT: "Deleterious"; PolyPhen-2: "Benign"; Align-GVGD: "Class C15". The histidine amino acid residue is found in multiple mammalian species, which suggests that this missense change does not adversely affect protein function. In summary, the available evidence is currently insufficient to determine the role of this variant in disease. Therefore, it has been classified as a Variant of Uncertain Significance.

NM_015909.4(NBAS):c.4938G>C (p.Gln1646His)

Gene: NBAS (NBAS subunit of NRZ tethering complex; minus strand). Cytogenetic location: 2p24.3.
Variant type: single nucleotide variant.
Coding change: c.4938G>C on transcript NM_015909.4 (MANE Select); coding-DNA position 4938, G replaced by C.
Protein change: p.Gln1646His; replaces glutamine 1646 with histidine.
Molecular consequence: missense variant. On other transcripts: non-coding transcript variant (1).
Genome position (GRCh38, 1-based): chr2:15,292,626, C>G on the plus strand (G>C on the coding strand, the complement: NBAS is on the minus strand). VCF-style: chr2-15292626-C-G. GRCh37 (hg19) VCF-style: chr2-15432750-C-G.
Other names: short protein forms Q1646H.
Identifiers: ClinVar variation 1928316 (VCV001928316.2), dbSNP rs1203293004, ClinGen allele CA345889336.